The following is an entry in ClinVar:

ClinVar aggregate classification (germline): Likely benign (1 of 4 stars; one submission).

Submission:

CeGaT Center for Human Genetics Tuebingen
Classification: Likely benign. Last evaluated: 2026-08-01. Review status: criteria provided, single submitter. Criteria: CeGaT Center For Human Genetics Tuebingen Variant Classification Criteria Version 2. Collection method: clinical testing. Allele origin: germline. Affected: yes. Observed: 7 variant alleles.
Comment: PPFIA1: BP4, BP7

NM_003626.5(PPFIA1):c.2337T>C (p.Gly779=)

Gene: PPFIA1 (PPFI scaffold protein A1; plus strand). Cytogenetic location: 11q13.3.
Variant type: single nucleotide variant.
Coding change: c.2337T>C on transcript NM_003626.5 (MANE Select); coding-DNA position 2337, T replaced by C.
Protein change: p.Gly779=; no amino-acid change (glycine 779 retained).
Molecular consequence: synonymous variant. On other transcripts: non-coding transcript variant (1).
Genome position (GRCh38, 1-based): chr11:70,355,660, T>C. VCF-style: chr11-70355660-T-C. GRCh37 (hg19) VCF-style: chr11-70201766-T-C.
Other names: c.2442T>C, p.Gly814= (NM_001378006.1); c.2337T>C, p.Gly779= (NM_177423.3).
Identifiers: ClinVar variation 2642058 (VCV002642058.24), dbSNP rs1442438158, ClinGen allele CA475243457.
Genomic context (GRCh38, chr11:70,355,660, plus strand): 5'-CAAGGGCACATAGTAAAGATCCGTTTTCTTTCCTCGAAGCTCCACAGGCTCCCAGGATGG[T>C]CCCGTGAGCAACCCCAGCAGTAGCAACAGTAGCCAGGACTCGCTCCACAAAGCCCCAAAG-3'
Protein context (NP_003617.1, residues 769-789): DIRNSTGSQD[Gly779=]PVSNPSSSNS